The following is an entry in ClinVar:

NM_022168.4(IFIH1):c.2138C>G (p.Thr713Ser)

Gene: IFIH1 (interferon induced with helicase C domain 1; minus strand). Cytogenetic location: 2q24.2.
Variant type: single nucleotide variant.
Coding change: c.2138C>G on transcript NM_022168.4 (MANE Select); coding-DNA position 2138, C replaced by G.
Protein change: p.Thr713Ser; replaces threonine 713 with serine.
Molecular consequence: missense variant.
Genome position (GRCh38, 1-based): chr2:162,276,853, G>C on the plus strand (C>G on the coding strand, the complement: IFIH1 is on the minus strand). VCF-style: chr2-162276853-G-C. GRCh37 (hg19) VCF-style: chr2-163133363-G-C.
Other names: c.2138C>G (NM_022168.2); short protein forms T713S.
Identifiers: ClinVar variation 705559 (VCV000705559.13), dbSNP rs201841403, ClinGen allele CA1934284.

ClinVar aggregate classification (germline): Conflicting classifications of pathogenicity. Review status: criteria provided, conflicting classifications (1 of 4 stars). 4 submissions from 4 submitters: Uncertain significance (1); Likely benign (3). Last evaluated 2026-03-06.

Conditions:
Aicardi-Goutieres syndrome 7 (AGS7). Identifiers: Orphanet 51, MedGen C3888244, MONDO:0014367, OMIM 615846.
Singleton-Merten syndrome 1 (SGMRT1). Also called: Widened medullary cavities of bone, aortic calcification, abnormal dentition, and muscular weakness; Syndrome of widened medullary cavities of the metacarpals and phalanges, aortic calcification and abnormal dentition. Identifiers: Orphanet 85191, MedGen C4225427, MONDO:0024535, OMIM 182250.
Inborn genetic diseases. Identifiers: MedGen C0950123, MeSH D030342.

Allele frequency attached by ClinVar (database versions not stated): TOPMed 0.00006; gnomAD exomes 0.00007 and 0.00012; ExAC 0.00009; gnomAD 0.00009; ESP Exome Variant Server 0.00015.
gnomAD v4.1: 126 of 1,613,566 alleles (0.0078%); highest among the groups gnomAD compares: Admixed American, 0.005%; no homozygotes.

Submissions (4):

Women's Health and Genetics/Laboratory Corporation of America, LabCorp
Classification: Likely benign. Last evaluated: 2026-03-06. Review status: criteria provided, single submitter. Criteria: LabCorp Variant Classification Summary - May 2015. Collection method: clinical testing. Allele origin: germline.
Comment: Variant summary: IFIH1 c.2138C>G (p.Thr713Ser) results in a conservative amino acid change in the encoded protein sequence. Algorithms developed to predict the effect of missense changes on protein structure and function are either unavailable or do not agree on the potential impact of this missense change. The variant allele was found at a frequency of 0.00012 in 251160 control chromosomes. The observed variant frequency exceeds the estimated maximal expected allele frequency for disease-causing variants in IFIH1. To our knowledge, no occurrence of c.2138C>G in individuals affected with IFIH1-related conditions and no experimental evidence demonstrating its impact on protein function have been reported. The following publications have been ascertained in the context of this evaluation (PMID: 36203604, 31664448). ClinVar contains an entry for this variant (Variation ID: 705559). Based on the evidence outlined above, the variant was classified as likely benign.

Labcorp Genetics (formerly Invitae), Labcorp
Classification: Likely benign for Aicardi-Goutieres syndrome 7; Singleton-Merten syndrome 1. Last evaluated: 2026-01-05. Review status: criteria provided, single submitter. Criteria: Invitae Variant Classification Sherloc (09022015). Collection method: clinical testing. Allele origin: germline.

Blueprint Genetics
Classification: Likely benign. Last evaluated: 2024-05-29. Review status: criteria provided, single submitter. Criteria: ACMG Guidelines, 2015. Collection method: clinical testing. Allele origin: germline.

Ambry Genetics
Classification: Uncertain significance for Inborn genetic diseases. Last evaluated: 2021-07-06. Review status: criteria provided, single submitter. Criteria: Ambry Variant Classification Scheme 2023. Collection method: clinical testing. Allele origin: germline.

Literature cited by the submitters: PubMed 31664448 (cited by Women's Health and Genetics/Laboratory Corporation of America, LabCorp); PubMed 36203604 (cited by Women's Health and Genetics/Laboratory Corporation of America, LabCorp).